The following is an entry in ClinVar:

NM_002382.5(MAX):c.429G>T (p.Glu143Asp)

Gene: MAX (MYC associated transcriptional regulator X; minus strand). Cytogenetic location: 14q23.3.
Variant type: single nucleotide variant.
Coding change: c.429G>T on transcript NM_002382.5 (MANE Select); coding-DNA position 429, G replaced by T.
Protein change: p.Glu143Asp; replaces glutamic acid 143 with aspartic acid.
Molecular consequence: missense variant. On other transcripts: 3 prime UTR variant (12), non-coding transcript variant (7), intron variant (2).
Genome position (GRCh38, 1-based): chr14:65,076,530, C>A on the plus strand (G>T on the coding strand, the complement: MAX is on the minus strand). VCF-style: chr14-65076530-C-A. GRCh37 (hg19) VCF-style: chr14-65543248-C-A.
Other names: c.240G>T, p.Glu80Asp (NM_001320415.2, NM_001407105.1, NM_001407106.1 and 1 more transcripts); c.429G>T, p.Glu143Asp (NM_001407094.1); c.402G>T, p.Glu134Asp (NM_001407095.1, NM_145112.3); c.*202G>T (NM_001407096.1, NM_001407099.1, NM_001407102.1 and 2 more transcripts); c.*218G>T (NM_001407097.1, NM_001407100.1, NM_001407101.1 and 4 more transcripts); c.321G>T, p.Glu107Asp (NM_001407098.1); c.228G>T, p.Glu76Asp (NM_001407111.1, NM_001407112.1); c.144+17178G>T (NM_001271069.2); and 1 more; short protein forms E143D, E134D, E76D, E80D, E107D.
Identifiers: ClinVar variation 4645759 (VCV004645759.1).
Genomic context (GRCh38, chr14:65,076,530, plus strand): 5'-AGTGGCTTAGCTGGCCTCCATCCGGAGCTTCTTCCTGCTTTGGGGCTCTTCAGGCTCAGA[C>A]TCCGAGCTGGAGTCCGAGCCCCCATCGAAGGCAGAGATGGTGCTGCCCTTGGCGTTGGTG-3'
Protein context (NP_002373.3, residues 133-153): AFDGGSDSSS[Glu143Asp]SEPEEPQSRK

ClinVar aggregate classification (germline): Uncertain significance (1 of 4 stars; one submission).

Conditions:
Hereditary cancer-predisposing syndrome. Also called: Neoplastic Syndromes, Hereditary; Tumor predisposition; Hereditary Cancer Syndrome; Hereditary neoplastic syndrome. Identifiers: Orphanet 140162, MedGen C0027672, MeSH D009386, MONDO:0015356.

Submission:

Ambry Genetics
Classification: Uncertain significance for Hereditary cancer-predisposing syndrome. Last evaluated: 2025-10-16. Review status: criteria provided, single submitter. Criteria: Ambry Variant Classification Scheme 2023. Collection method: clinical testing. Allele origin: germline.
Comment: The p.E143D variant (also known as c.429G>T), located in coding exon 5 of the MAX gene, results from a G to T substitution at nucleotide position 429. The glutamic acid at codon 143 is replaced by aspartic acid, an amino acid with highly similar properties. This amino acid position is conserved. In addition, the in silico prediction for this alteration is inconclusive. Based on the available evidence, the clinical significance of this variant remains unclear.